The following is an entry in ClinVar:

ClinVar aggregate classification (germline): Pathogenic (1 of 4 stars; one submission).

Conditions:
Duchenne muscular dystrophy (DMD). Also called: MUSCULAR DYSTROPHY, PSEUDOHYPERTROPHIC PROGRESSIVE, DUCHENNE TYPE; Duchenne Muscular Dystrophy (DMD). Identifiers: Orphanet 98896, MedGen C0013264, MONDO:0010679, OMIM 310200.

Submission:

Labcorp Genetics (formerly Invitae), Labcorp
Classification: Pathogenic for Duchenne muscular dystrophy. Last evaluated: 2018-08-24. Review status: criteria provided, single submitter. Criteria: Invitae Variant Classification Sherloc (09022015). Collection method: clinical testing. Allele origin: germline.
Comment: This variant is an in-frame deletion of the genomic region encompassing exons 10-22 of the DMD gene. It preserves the integrity of the reading frame. This variant has been observed an individual affected with Becker muscular dystrophy (PMID: 23667215, 24292997). Sub-genic deletion of exon 13 has been determined to be pathogenic (PMID:Â¬â€ 15684864,Â¬â€ 28116794, 28610567). Therefore, deletions that fully encompass that region are also expected to be pathogenic. For these reasons, this variant has been classified as Pathogenic.

Literature cited by the submitters: PubMed 23667215; PubMed 24292997.

NC_000023.11:g.(?_32472144)_(32651077_?)del

Genes: DMD (dystrophin; minus strand), MIR3915 (microRNA 3915; minus strand), MIR548F5 (microRNA 548f-5; minus strand). Cytogenetic location: Xp21.1.
Variant type: Deletion.
Identifiers: ClinVar variation 647470 (VCV000647470.1).